The following is an entry in ClinVar:

ClinVar aggregate classification (germline): Uncertain significance (1 of 4 stars; one submission).

Conditions:
Chuvash polycythemia. Also called: POLYCYTHEMIA, VHL-DEPENDENT. Identifiers: Orphanet 238557, MedGen C1837915, MONDO:0009892, OMIM 263400.
Von Hippel-Lindau syndrome (VHLS). Also called: VHL syndrome; von Hippel–Lindau syndrome; Von Hippel-Lindau. Identifiers: Orphanet 892, MedGen C0019562, MONDO:0008667, OMIM 193300. Disease mechanism: loss of function.

Submission:

Labcorp Genetics (formerly Invitae), Labcorp
Classification: Uncertain significance for Von Hippel-Lindau syndrome; Chuvash polycythemia. Last evaluated: 2022-10-16. Review status: criteria provided, single submitter. Criteria: Invitae Variant Classification Sherloc (09022015). Collection method: clinical testing. Allele origin: germline.
Comment: In summary, the available evidence is currently insufficient to determine the role of this variant in disease. Therefore, it has been classified as a Variant of Uncertain Significance. Algorithms developed to predict the effect of sequence changes on RNA splicing suggest that this variant is not likely to affect RNA splicing. ClinVar contains an entry for this variant (Variation ID: 1392563). This variant has not been reported in the literature in individuals affected with VHL-related conditions. This variant is not present in population databases (gnomAD no frequency). This sequence change falls in intron 1 of the VHL gene. It is not expected to change the encoded amino acid sequence of the VHL protein. However, this sequence change falls within a cryptic exon in the VHL gene, known as exon E1’, which is naturally expressed at low levels in several human tissues (PMID: 29891534).

Literature cited by the submitters: PubMed 29891534.

NM_000551.4(VHL):c.340+638C>T

Genes: VHL (von Hippel-Lindau tumor suppressor; plus strand), LOC107303340 (3p25 von Hippel-Lindau tumor suppressor, E3 ubiquitin protein ligase Alu-mediated recombination region; plus strand). Cytogenetic location: 3p25.3.
Variant type: single nucleotide variant.
Coding change: c.340+638C>T on transcript NM_000551.4 (MANE Select); 638 bases into the intron after coding-DNA position 340, C replaced by T.
Molecular consequence: intron variant. On other transcripts: synonymous variant (1).
Genome position (GRCh38, 1-based): chr3:10,142,825, C>T. VCF-style: chr3-10142825-C-T. GRCh37 (hg19) VCF-style: chr3-10184509-C-T.
Other names: c.403C>T, p.Leu135= (NM_001354723.2); c.340+638C>T (NM_198156.3).
Identifiers: ClinVar variation 1392563 (VCV001392563.6), dbSNP rs973712723, ClinGen allele CA70046710.